The following is an entry in ClinVar:

NM_000238.4(KCNH2):c.3368G>C (p.Gly1123Ala)

Gene: KCNH2 (potassium voltage-gated channel subfamily H member 2; minus strand). Cytogenetic location: 7q36.1.
Variant type: single nucleotide variant.
Coding change: c.3368G>C on transcript NM_000238.4 (MANE Select); coding-DNA position 3368, G replaced by C.
Protein change: p.Gly1123Ala; replaces glycine 1123 with alanine.
Molecular consequence: missense variant. On other transcripts: non-coding transcript variant (2).
Genome position (GRCh38, 1-based): chr7:150,945,477, C>G on the plus strand (G>C on the coding strand, the complement: KCNH2 is on the minus strand). VCF-style: chr7-150945477-C-G. GRCh37 (hg19) VCF-style: chr7-150642565-C-G.
Other names: c.3080G>C, p.Gly1027Ala (NM_001406753.1); c.2348G>C, p.Gly783Ala (NM_172057.3); short protein forms G1027A, G1123A, G783A.
Identifiers: ClinVar variation 2505027 (VCV002505027.1), dbSNP rs1800856959, ClinGen allele CA369851555.

ClinVar aggregate classification (germline): Uncertain significance (1 of 4 stars; one submission).

Allele frequency attached by ClinVar (database versions not stated): gnomAD exomes below 0.00001.
gnomAD v4.1: 1 of 1,556,520 alleles (0.000064%); highest among the groups gnomAD compares: Non-Finnish European, 0.000087%; no homozygotes.

Submission:

GeneDx
Classification: Uncertain significance. Last evaluated: 2022-12-06. Review status: criteria provided, single submitter. Criteria: GeneDx Variant Classification Process June 2021. Collection method: clinical testing. Allele origin: germline. Affected: yes.
Comment: Not observed at significant frequency in large population cohorts (gnomAD); In silico analysis supports that this missense variant does not alter protein structure/function; Has not been previously published as pathogenic or benign to our knowledge